The following is an entry in ClinVar:

NM_001024630.4(RUNX2):c.*2479C>A

Gene: RUNX2 (RUNX family transcription factor 2; plus strand). Cytogenetic location: 6p21.1.
Variant type: single nucleotide variant.
Coding change: c.*2479C>A on transcript NM_001024630.4 (MANE Select); 2479 bases downstream of the stop codon, C replaced by A.
Molecular consequence: 3 prime UTR variant.
Genome position (GRCh38, 1-based): chr6:45,549,784, C>A. VCF-style: chr6-45549784-C-A. GRCh37 (hg19) VCF-style: chr6-45517521-C-A.
Other names: c.*2479C>A (NM_001015051.4, NM_001278478.2, NM_001369405.1).
Identifiers: ClinVar variation 357127 (VCV000357127.5), dbSNP rs540392893, ClinGen allele CA10626970.

ClinVar aggregate classification (germline): Likely benign (1 of 4 stars; one submission).

Conditions:
Cleidocranial dysostosis (CLCD1). Also called: cleidocranial dysplasia 1; Marie-Sainton disease; Cleidocranial Dysplasia Spectrum Disorder. Identifiers: Orphanet 1452, MedGen C0008928, MONDO:0007340, OMIM 119600.

Allele frequency attached by ClinVar (database versions not stated): TOPMed 0.00001; gnomAD 0.00002; 1000 Genomes Project 30x 0.00031; 1000 Genomes Project 0.00040.
gnomAD v4.1: 4 of 155,592 alleles (0.0026%); highest among the groups gnomAD compares: South Asian, 0.062%; no homozygotes.

Submission:

Illumina Laboratory Services, Illumina
Classification: Likely benign for Cleidocranial dysostosis. Last evaluated: 2017-04-27. Review status: criteria provided, single submitter. Criteria: ICSL Variant Classification Criteria 13 December 2019. Collection method: clinical testing. Allele origin: germline.
Comment: This variant was observed as part of a predisposition screen in an ostensibly healthy population. A literature search was performed for the gene, cDNA change, and amino acid change (where applicable). No publications were found based on this search. Allele frequency data from public databases allowed determination this variant is unlikely to cause disease. Therefore, this variant is classified as likely benign.